The following is an entry in ClinVar:

ClinVar aggregate classification (germline): Benign/Likely benign. Review status: criteria provided, multiple submitters, no conflicts (2 of 4 stars). 3 submissions from 3 submitters: Benign (1); Likely benign (2). Last evaluated 2026-09-07.

Conditions:
Hereditary cancer-predisposing syndrome. Also called: Hereditary neoplastic syndrome; Neoplastic Syndromes, Hereditary; Tumor predisposition; Hereditary Cancer Syndrome. Identifiers: Orphanet 140162, MedGen C0027672, MeSH D009386, MONDO:0015356.
Rhabdoid tumor predisposition syndrome 2 (RTPS2). Identifiers: Orphanet 231108, Orphanet 69077, MedGen C2750074, MONDO:0013224, OMIM 613325.

gnomAD v4.1: 3 of 1,551,010 alleles (0.00019%); highest among the groups gnomAD compares: East Asian, 0.0073%; no homozygotes.

Submissions (3):

Ambry Genetics
Classification: Likely benign for Hereditary cancer-predisposing syndrome. Last evaluated: 2026-09-07. Review status: criteria provided, single submitter. Criteria: Ambry Variant Classification Scheme 2023. Collection method: clinical testing. Allele origin: germline.

Myriad Genetics, Inc.
Classification: Benign for Rhabdoid tumor predisposition syndrome 2. Last evaluated: 2026-07-27. Review status: criteria provided, single submitter. Criteria: Myriad Autosomal Dominant, Autosomal Recessive and X-Linked Classification Criteria (2023). Collection method: clinical testing. Allele origin: unknown.
Comment: This variant is considered benign. This variant is a silent/synonymous amino acid change and it is not expected to impact splicing.

Labcorp Genetics (formerly Invitae), Labcorp
Classification: Likely benign for Rhabdoid tumor predisposition syndrome 2. Last evaluated: 2025-11-12. Review status: criteria provided, single submitter. Criteria: Invitae Variant Classification Sherloc (09022015). Collection method: clinical testing. Allele origin: germline.

NM_003072.5(SMARCA4):c.4837C>A (p.Arg1613=)

Gene: SMARCA4 (SWI/SNF related BAF chromatin remodeling complex subunit ATPase 4; plus strand). Cytogenetic location: 19p13.2.
Variant type: single nucleotide variant.
Coding change: c.4837C>A on transcript NM_003072.5 (MANE Select); coding-DNA position 4837, C replaced by A.
Protein change: p.Arg1613=; no amino-acid change (arginine 1613 retained).
Molecular consequence: synonymous variant. On other transcripts: non-coding transcript variant (1).
Genome position (GRCh38, 1-based): chr19:11,060,113, C>A. VCF-style: chr19-11060113-C-A. GRCh37 (hg19) VCF-style: chr19-11170789-C-A.
Other names: c.4837C>A, p.Arg1613= (NM_001128844.3); c.4747C>A, p.Arg1583= (NM_001128845.2); c.4744C>A, p.Arg1582= (NM_001128846.2); c.4738C>A, p.Arg1580= (NM_001128847.4, NM_001374457.1); c.4735C>A, p.Arg1579= (NM_001128848.2); c.4933C>A, p.Arg1645= (NM_001128849.3).
Identifiers: ClinVar variation 748065 (VCV000748065.11), dbSNP rs1370639203, ClinGen allele CA505495445.